The following is an entry in ClinVar:

NM_001080467.3(MYO5B):c.3031G>A (p.Asp1011Asn)

Gene: MYO5B (myosin VB; minus strand). Cytogenetic location: 18q21.1.
Variant type: single nucleotide variant.
Coding change: c.3031G>A on transcript NM_001080467.3 (MANE Select); coding-DNA position 3031, G replaced by A.
Protein change: p.Asp1011Asn; replaces aspartic acid 1011 with asparagine.
Molecular consequence: missense variant.
Genome position (GRCh38, 1-based): chr18:49,894,955, C>T on the plus strand (G>A on the coding strand, the complement: MYO5B is on the minus strand). VCF-style: chr18-49894955-C-T. GRCh37 (hg19) VCF-style: chr18-47421325-C-T.
Other names: short protein forms D1011N.
Identifiers: ClinVar variation 327033 (VCV000327033.49), dbSNP rs201592338, ClinGen allele CA8960872.

ClinVar aggregate classification (germline): Likely benign. Review status: criteria provided, multiple submitters, no conflicts (2 of 4 stars). 5 submissions from 5 submitters: Likely benign (4). 1 of the submissions does not count toward it. Last evaluated 2026-01-20.

Conditions:
MYO5B-related disorder. Also called: MYO5B-related condition.
Congenital microvillous atrophy (DIAR2). Also called: CONGENITAL FAMILIAL PROTRACTED DIARRHEA WITH ENTEROCYTE BRUSH-BORDER ABNORMALITIES; DAVIDSON DISEASE; Microvillus inclusion disease; Diarrhea 2 with microvillus atrophy, with or without cholestasis; MICROVILLUS ATROPHY, CONGENITAL. Identifiers: Orphanet 2290, MedGen C0341306, MONDO:0009635, OMIM 251850.

Allele frequency attached by ClinVar (database versions not stated): 1000 Genomes Project 30x 0.00016; 1000 Genomes Project 0.00020; ESP Exome Variant Server 0.00072; gnomAD 0.00097 and 0.00103; TOPMed 0.00102; gnomAD exomes 0.00163 and 0.00198; ExAC 0.00259.
gnomAD v4.1: 2,516 of 1,613,164 alleles (0.16%); highest among the groups gnomAD compares: Non-Finnish European, 0.17%; 3 homozygotes.

Submissions (5):

Labcorp Genetics (formerly Invitae), Labcorp
Classification: Likely benign. Last evaluated: 2026-01-20. Review status: criteria provided, single submitter. Criteria: Invitae Variant Classification Sherloc (09022015). Collection method: clinical testing. Allele origin: germline.

Blueprint Genetics
Classification: Likely benign. Last evaluated: 2024-10-15. Review status: criteria provided, single submitter. Criteria: ACMG Guidelines, 2015. Collection method: clinical testing. Allele origin: germline.

CeGaT Center for Human Genetics Tuebingen
Classification: Likely benign. Last evaluated: 2021-07-01. Review status: criteria provided, single submitter. Criteria: CeGaT Center For Human Genetics Tuebingen Variant Classification Criteria Version 2. Collection method: clinical testing. Allele origin: germline. Affected: yes. Observed: 1 variant allele.

Illumina Laboratory Services, Illumina
Classification: Likely benign for Congenital microvillous atrophy. Last evaluated: 2018-01-13. Review status: criteria provided, single submitter. Criteria: ICSL Variant Classification Criteria 13 December 2019. Collection method: clinical testing. Allele origin: germline.
Comment: This variant was observed in the ICSL laboratory as part of a predisposition screen in an ostensibly healthy population. It had not been previously curated by ICSL or reported in the Human Gene Mutation Database (HGMD: prior to June 1st, 2018), and was therefore a candidate for classification through an automated scoring system. Utilizing variant allele frequency, disease prevalence and penetrance estimates, and inheritance mode, an automated score was calculated to assess if this variant is too frequent to cause the disease. Based on the score and internal cut-off values, a variant classified as likely benign is not then subjected to further curation. The score for this variant resulted in a classification of likely benign for this disease.

PreventionGenetics, part of Exact Sciences
Classification: Likely benign for MYO5B-related condition. Last evaluated: 2021-05-10. Review status: no assertion criteria provided. Collection method: clinical testing. Allele origin: germline. Not counted in ClinVar's aggregate classification.
Comment: This variant is classified as likely benign based on ACMG/AMP sequence variant interpretation guidelines (Richards et al. 2015 PMID: 25741868, with internal and published modifications).